The following is an entry in ClinVar:

NM_001001433.3(STX16):c.203T>C (p.Ile68Thr)

Genes: STX16 (syntaxin 16; plus strand), STX16-NPEPL1 (STX16-NPEPL1 readthrough (NMD candidate); plus strand). Cytogenetic location: 20q13.32.
Variant type: single nucleotide variant.
Coding change: c.203T>C on transcript NM_001001433.3 (MANE Select); coding-DNA position 203, T replaced by C.
Protein change: p.Ile68Thr; replaces isoleucine 68 with threonine.
Molecular consequence: missense variant. On other transcripts: non-coding transcript variant (4).
Genome position (GRCh38, 1-based): chr20:58,667,548, T>C. VCF-style: chr20-58667548-T-C. GRCh37 (hg19) VCF-style: chr20-57242604-T-C.
Other names: c.191T>C, p.Ile64Thr (NM_001134772.3); c.152T>C, p.Ile51Thr (NM_001134773.3); c.44T>C, p.Ile15Thr (NM_001204868.2); c.140T>C, p.Ile47Thr (NM_003763.6); short protein forms I15T, I51T, I64T, I68T, I47T.
Identifiers: ClinVar variation 3676212 (VCV003676212.2).

ClinVar aggregate classification (germline): Uncertain significance (1 of 4 stars; one submission).

Submission:

Labcorp Genetics (formerly Invitae), Labcorp
Classification: Uncertain significance. Last evaluated: 2024-10-29. Review status: criteria provided, single submitter. Criteria: Invitae Variant Classification Sherloc (09022015). Collection method: clinical testing. Allele origin: germline.
Comment: This sequence change replaces isoleucine, which is neutral and non-polar, with threonine, which is neutral and polar, at codon 68 of the STX16 protein (p.Ile68Thr). This variant is present in population databases (rs755682436, gnomAD 0.0009%). This variant has not been reported in the literature in individuals affected with STX16-related conditions. Invitae Evidence Modeling of protein sequence and biophysical properties (such as structural, functional, and spatial information, amino acid conservation, physicochemical variation, residue mobility, and thermodynamic stability) indicates that this missense variant is not expected to disrupt STX16 protein function with a negative predictive value of 80%. In summary, the available evidence is currently insufficient to determine the role of this variant in disease. Therefore, it has been classified as a Variant of Uncertain Significance.